The following is an entry in ClinVar:

ClinVar aggregate classification (germline): Likely pathogenic (1 of 4 stars; one submission).

Conditions:
Sitosterolemia (STSL). Also called: PHYTOSTEROLEMIA. Identifiers: Orphanet 2882, MedGen C0342907, MONDO:0008863.

Submission:

Labcorp Genetics (formerly Invitae), Labcorp
Classification: Likely pathogenic for Sitosterolemia. Last evaluated: 2025-08-17. Review status: criteria provided, single submitter. Criteria: Invitae Variant Classification Sherloc (09022015). Collection method: clinical testing. Allele origin: germline.
Comment: This sequence change replaces serine, which is neutral and polar, with alanine, which is neutral and non-polar, at codon 44 of the ABCG5 protein (p.Ser44Ala). This variant is present in population databases (no rsID available, gnomAD 0.003%). This missense change has been observed in individual(s) with sitosterolemia (PMID: 25665839, 32862661). In at least one individual the data is consistent with being in trans (on the opposite chromosome) from a pathogenic variant. An algorithm developed to predict the effect of missense changes on protein structure and function (PolyPhen-2) suggests that this variant is likely to be tolerated. This variant disrupts the p.Ser44 amino acid residue in ABCG5. Other variant(s) that disrupt this residue have been observed in individuals with ABCG5-related conditions (PMID: 35042526), which suggests that this may be a clinically significant amino acid residue. In summary, the currently available evidence indicates that the variant is pathogenic, but additional data are needed to prove that conclusively. Therefore, this variant has been classified as Likely Pathogenic.

Literature cited by the submitters: PubMed 25665839; PubMed 32862661; PubMed 35042526.

NM_022436.3(ABCG5):c.130T>G (p.Ser44Ala)

Gene: ABCG5 (ATP binding cassette subfamily G member 5; minus strand). Cytogenetic location: 2p21.
Variant type: single nucleotide variant.
Coding change: c.130T>G on transcript NM_022436.3 (MANE Select); coding-DNA position 130, T replaced by G.
Protein change: p.Ser44Ala; replaces serine 44 with alanine.
Molecular consequence: missense variant.
Genome position (GRCh38, 1-based): chr2:43,838,550, A>C on the plus strand (T>G on the coding strand, the complement: ABCG5 is on the minus strand). VCF-style: chr2-43838550-A-C. GRCh37 (hg19) VCF-style: chr2-44065689-A-C.
Other names: short protein forms S44A.
Identifiers: ClinVar variation 4746968 (VCV004746968.1).